The following is an entry in ClinVar:

ClinVar aggregate classification (germline): Uncertain significance (1 of 4 stars; one submission).

gnomAD v4.1: 1 of 1,614,104 alleles (0.000062%); highest among the groups gnomAD compares: African/African-American, 0.0013%; no homozygotes.

Submission:

Labcorp Genetics (formerly Invitae), Labcorp
Classification: Uncertain significance. Last evaluated: 2024-07-16. Review status: criteria provided, single submitter. Criteria: Invitae Variant Classification Sherloc (09022015). Collection method: clinical testing. Allele origin: germline.
Comment: This sequence change replaces glycine, which is neutral and non-polar, with serine, which is neutral and polar, at codon 372 of the NFE2L2 protein (p.Gly372Ser). This variant is not present in population databases (gnomAD no frequency). This variant has not been reported in the literature in individuals affected with NFE2L2-related conditions. Advanced modeling of protein sequence and biophysical properties (such as structural, functional, and spatial information, amino acid conservation, physicochemical variation, residue mobility, and thermodynamic stability) performed at Invitae indicates that this missense variant is not expected to disrupt NFE2L2 protein function with a negative predictive value of 80%. In summary, the available evidence is currently insufficient to determine the role of this variant in disease. Therefore, it has been classified as a Variant of Uncertain Significance.

NM_006164.5(NFE2L2):c.1114G>A (p.Gly372Ser)

Gene: NFE2L2 (NFE2 like bZIP transcription factor 2; minus strand). Cytogenetic location: 2q31.2.
Variant type: single nucleotide variant.
Coding change: c.1114G>A on transcript NM_006164.5 (MANE Select); coding-DNA position 1114, G replaced by A.
Protein change: p.Gly372Ser; replaces glycine 372 with serine.
Molecular consequence: missense variant.
Genome position (GRCh38, 1-based): chr2:177,231,489, C>T on the plus strand (G>A on the coding strand, the complement: NFE2L2 is on the minus strand). VCF-style: chr2-177231489-C-T. GRCh37 (hg19) VCF-style: chr2-178096217-C-T.
Other names: c.1066G>A, p.Gly356Ser (NM_001145412.3, NM_001313900.1, NM_001313901.1); c.1045G>A, p.Gly349Ser (NM_001145413.3); c.1024G>A, p.Gly342Ser (NM_001313902.2); c.895G>A, p.Gly299Ser (NM_001313903.2); c.814G>A, p.Gly272Ser (NM_001313904.1); short protein forms G342S, G272S, G356S, G372S, G299S, G349S.
Identifiers: ClinVar variation 3659355 (VCV003659355.2).